The following is an entry in ClinVar:

NM_001430.5(EPAS1):c.2121G>C (p.Lys707Asn)

Gene: EPAS1 (endothelial PAS domain protein 1; plus strand). Cytogenetic location: 2p21.
Variant type: single nucleotide variant.
Coding change: c.2121G>C on transcript NM_001430.5 (MANE Select); coding-DNA position 2121, G replaced by C.
Protein change: p.Lys707Asn; replaces lysine 707 with asparagine.
Molecular consequence: missense variant.
Genome position (GRCh38, 1-based): chr2:46,381,671, G>C. VCF-style: chr2-46381671-G-C. GRCh37 (hg19) VCF-style: chr2-46608810-G-C.
Other names: short protein forms K707N.
Identifiers: ClinVar variation 1786254 (VCV001786254.2), dbSNP rs2546479539, ClinGen allele CA346705573.

ClinVar aggregate classification (germline): Uncertain significance (1 of 4 stars; one submission).

Conditions:
Inborn genetic diseases. Identifiers: MedGen C0950123, MeSH D030342.

Allele frequency attached by ClinVar (database versions not stated): gnomAD exomes 0.00001.
gnomAD v4.1: 4 of 1,614,068 alleles (0.00025%); highest among the groups gnomAD compares: Non-Finnish European, 0.00034%; no homozygotes.

Submission:

Ambry Genetics
Classification: Uncertain significance for Inborn genetic diseases. Last evaluated: 2024-02-02. Review status: criteria provided, single submitter. Criteria: Ambry Variant Classification Scheme 2023. Collection method: clinical testing. Allele origin: germline.
Comment: The p.K707N variant (also known as c.2121G>C), located in coding exon 13 of the EPAS1 gene, results from a G to C substitution at nucleotide position 2121. The lysine at codon 707 is replaced by asparagine, an amino acid with similar properties. This amino acid position is conserved. In addition, this alteration is predicted to be tolerated by in silico analysis. Since supporting evidence is limited at this time, the clinical significance of this alteration remains unclear.